The following is an entry in ClinVar:

ClinVar aggregate classification (germline): Benign/Likely benign. Review status: criteria provided, multiple submitters, no conflicts (2 of 4 stars). 17 submissions from 16 submitters: Benign (6); Likely benign (7). 4 of the submissions do not count toward it. Last evaluated 2026-09-01.

Conditions:
Connective tissue disorder. Also called: Connective tissue disease. Identifiers: MedGen C0009782, MONDO:0003900.
Rhizomelic chondrodysplasia punctata (RCDP). Identifiers: Orphanet 177, MedGen C0282529, MONDO:0015776. Disease mechanism: loss of function.
Peroxisome biogenesis disorder 9B. Also called: PEX7-Related Refsum Disease; Refsum disease, adult, 2; PEROXISOME BIOGENESIS DISORDER, PEX7-RELATED, ATYPICAL. Identifiers: Orphanet 773, MedGen C2749346, MONDO:0013945, OMIM 614879.
Rhizomelic chondrodysplasia punctata type 1 (RCDP1). Also called: CHONDRODYSTROPHIA CALCIFICANS PUNCTATA; PEX7-Related Rhizomelic Chondrodysplasia Punctata; PEROXISOME BIOGENESIS DISORDER 9. Identifiers: Orphanet 177, Orphanet 309789, MedGen C1859133, MONDO:0008972, OMIM 215100. Disease mechanism: loss of function.
Refsum disease, classic. Also called: PHYH-Related Refsum Disease; PHYTANIC ACID OXIDASE DEFICIENCY; HEREDOPATHIA ATACTICA POLYNEURITIFORMIS; HMSN IV. Identifiers: Orphanet 773, MedGen C5780941, MONDO:1060256, OMIM 266500. Disease mechanism: loss of function.

Allele frequency attached by ClinVar (database versions not stated): 1000 Genomes Project 0.00140; 1000 Genomes Project 30x 0.00156; TOPMed 0.00298; ESP Exome Variant Server 0.00308; gnomAD 0.00367 and 0.00376; ExAC 0.00380; gnomAD exomes 0.00389.
gnomAD v4.1: 7,142 of 1,611,638 alleles (0.44%); highest among the groups gnomAD compares: Non-Finnish European, 0.49%; 14 homozygotes.

Submissions (17):

CeGaT Center for Human Genetics Tuebingen
Classification: Benign. Last evaluated: 2026-09-01. Review status: criteria provided, single submitter. Criteria: CeGaT Center For Human Genetics Tuebingen Variant Classification Criteria Version 2. Collection method: clinical testing. Allele origin: germline. Affected: yes. Observed: 12 variant alleles.
Comment: PEX7: BS1, BS2

Labcorp Genetics (formerly Invitae), Labcorp
Classification: Benign for Peroxisome biogenesis disorder 9B. Last evaluated: 2026-02-01. Review status: criteria provided, single submitter. Criteria: Invitae Variant Classification Sherloc (09022015). Collection method: clinical testing. Allele origin: germline.

GeneDx
Classification: Likely benign. Last evaluated: 2024-07-01. Review status: criteria provided, single submitter. Criteria: GeneDx Variant Classification Process June 2021. Collection method: clinical testing. Allele origin: germline. Affected: yes.
Comment: See Variant Classification Assertion Criteria.

ARUP Laboratories, Molecular Genetics and Genomics, ARUP Laboratories
Classification: Benign. Last evaluated: 2023-01-03. Review status: criteria provided, single submitter. Criteria: ARUP Molecular Germline Variant Investigation Process 2024. Collection method: clinical testing. Allele origin: germline.

Genome Diagnostics Laboratory, The Hospital for Sick Children
Classification: Likely benign for Connective tissue disorder. Last evaluated: 2022-01-25. Review status: criteria provided, single submitter. Criteria: ACMG Guidelines, 2015. Collection method: clinical testing. Allele origin: germline.

Mayo Clinic Laboratories, Mayo Clinic
Classification: Benign. Last evaluated: 2020-05-01. Review status: criteria provided, single submitter. Criteria: ACMG Guidelines, 2015. Collection method: clinical testing. Allele origin: germline. Observed: 22 variant alleles.

Fulgent Genetics
Classification: Likely benign for Rhizomelic chondrodysplasia punctata type 1; Refsum disease, classic; Peroxisome biogenesis disorder 9B. Last evaluated: 2018-10-31. Review status: criteria provided, single submitter. Criteria: ACMG Guidelines, 2015. Collection method: clinical testing. Allele origin: unknown.

Illumina Laboratory Services, Illumina
Classification: Likely benign for Peroxisome biogenesis disorder 9B. Last evaluated: 2018-01-12. Review status: criteria provided, single submitter. Criteria: ICSL Variant Classification Criteria 13 December 2019. Collection method: clinical testing. Allele origin: germline.
Comment: This variant was observed in the ICSL laboratory as part of a predisposition screen in an ostensibly healthy population. It had not been previously curated by ICSL or reported in the Human Gene Mutation Database (HGMD: prior to June 1st, 2018), and was therefore a candidate for classification through an automated scoring system. Utilizing variant allele frequency, disease prevalence and penetrance estimates, and inheritance mode, an automated score was calculated to assess if this variant is too frequent to cause the disease. Based on the score and internal cut-off values, a variant classified as likely benign is not then subjected to further curation. The score for this variant resulted in a classification of likely benign for this disease.

Illumina Laboratory Services, Illumina
Classification: Likely benign for Rhizomelic chondrodysplasia punctata type 1. Last evaluated: 2018-01-12. Review status: criteria provided, single submitter. Criteria: ICSL Variant Classification Criteria 13 December 2019. Collection method: clinical testing. Allele origin: germline.
Comment: the same text as in the submission from Illumina Laboratory Services, Illumina above.

Athena Diagnostics
Classification: Likely benign. Last evaluated: 2016-11-10. Review status: criteria provided, single submitter. Criteria: Athena Diagnostics Criteria. Collection method: clinical testing. Allele origin: germline.

Center for Pediatric Genomic Medicine, Children's Mercy Hospital and Clinics
Classification: Likely benign. Last evaluated: 2016-06-29. Review status: criteria provided, single submitter. Criteria: ACMG Guidelines, 2015. Collection method: clinical testing. Allele origin: germline.
ClinVar note: Converted during submission from Likely Benign to Likely benign.

Eurofins Ntd Llc (ga)
Classification: Benign. Last evaluated: 2015-08-13. Review status: criteria provided, single submitter. Criteria: EGL Classification Definitions 2015. Collection method: clinical testing. Allele origin: germline. Observed: 2 variant alleles, 2 heterozygotes.

PreventionGenetics, part of Exact Sciences
Classification: Benign. Review status: criteria provided, single submitter. Criteria: ACMG Guidelines, 2015. Collection method: clinical testing. Allele origin: germline.

Natera, Inc.
Classification: Likely benign for Rhizomelic Chondrodysplasia Punctata. Last evaluated: 2017-05-10. Review status: no assertion criteria provided. Collection method: clinical testing. Allele origin: germline. Not counted in ClinVar's aggregate classification.

Clinical Genetics DNA and cytogenetics Diagnostics Lab, Erasmus MC, Erasmus Medical Center
Classification: Likely benign. Review status: no assertion criteria provided. Collection method: clinical testing. Allele origin: germline. Affected: yes. Study: VKGL Data-share Consensus. Not counted in ClinVar's aggregate classification.

Clinical Genetics, Academic Medical Center
Classification: Benign. Review status: no assertion criteria provided. Collection method: clinical testing. Allele origin: germline. Affected: yes. Study: VKGL Data-share Consensus. Not counted in ClinVar's aggregate classification.

Laboratory of Diagnostic Genome Analysis, Leiden University Medical Center (LUMC)
Classification: Likely benign. Review status: no assertion criteria provided. Collection method: clinical testing. Allele origin: germline. Affected: yes. Study: VKGL Data-share Consensus. Not counted in ClinVar's aggregate classification.

NM_000288.4(PEX7):c.377A>C (p.Gln126Pro)

Gene: PEX7 (peroxisomal biogenesis factor 7; plus strand). Cytogenetic location: 6q23.3.
Variant type: single nucleotide variant.
Coding change: c.377A>C on transcript NM_000288.4 (MANE Select); coding-DNA position 377, A replaced by C.
Protein change: p.Gln126Pro; replaces glutamine 126 with proline.
Molecular consequence: missense variant.
Genome position (GRCh38, 1-based): chr6:136,845,652, A>C. VCF-style: chr6-136845652-A-C. GRCh37 (hg19) VCF-style: chr6-137166790-A-C.
Other names: short protein forms Q126P.
Identifiers: ClinVar variation 255746 (VCV000255746.79), dbSNP rs113268723, ClinGen allele CA4017586.
Genomic context (GRCh38, chr6:136,845,652, plus strand): 5'-TAAACACTTTTCAATGTTTTTAGGTGTATAGTGTTGATTGGAGCCAAACCAGAGGTGAAC[A>C]GCTTGTGGTGTCTGGCTCATGGGATCAAACTGTCAAATTGGTATGTTAGCATTATTGTAT-3'
Protein context (NP_000279.1, residues 116-136): SVDWSQTRGE[Gln126Pro]LVVSGSWDQT